The following is an entry in ClinVar:

NM_016734.3(PAX5):c.568C>G (p.Pro190Ala)

Genes: PAX5 (paired box 5; minus strand), LOC105376032 (uncharacterized LOC105376032; plus strand). Cytogenetic location: 9p13.2.
Variant type: single nucleotide variant.
Coding change: c.568C>G on transcript NM_016734.3 (MANE Select); coding-DNA position 568, C replaced by G.
Protein change: p.Pro190Ala; replaces proline 190 with alanine.
Molecular consequence: missense variant. On other transcripts: non-coding transcript variant (2), intron variant (2).
Genome position (GRCh38, 1-based): chr9:37,002,684, G>C on the plus strand (C>G on the coding strand, the complement: PAX5 is on the minus strand). VCF-style: chr9-37002684-G-C. GRCh37 (hg19) VCF-style: chr9-37002681-G-C.
Other names: c.568C>G, p.Pro190Ala (NM_001280548.2, NM_001280549.2, NM_001280550.2 and 2 more transcripts); c.244C>G, p.Pro82Ala (NM_001280551.2, NM_001280556.2); c.370C>G, p.Pro124Ala (NM_001280555.2); c.475+3789C>G (NM_001280553.2, NM_001280554.2); short protein forms P124A, P190A, P82A.
Identifiers: ClinVar variation 4861618 (VCV004861618.1).

ClinVar aggregate classification (germline): Uncertain significance (1 of 4 stars; one submission).

Conditions:
Inborn genetic diseases. Identifiers: MedGen C0950123, MeSH D030342.

Submission:

Ambry Genetics
Classification: Uncertain significance for Inborn genetic diseases. Last evaluated: 2026-05-26. Review status: criteria provided, single submitter. Criteria: Ambry Variant Classification Scheme 2023. Collection method: clinical testing. Allele origin: germline.
Comment: The p.P190A variant (also known as c.568C>G), located in coding exon 5 of the PAX5 gene, results from a C to G substitution at nucleotide position 568. The proline at codon 190 is replaced by alanine, an amino acid with highly similar properties. This amino acid position is conserved. In addition, the in silico prediction for this alteration is inconclusive. Based on the available evidence, the clinical significance of this variant remains unclear.